The following is an entry in ClinVar:

NM_002246.3(KCNK3):c.342G>A (p.Ala114=)

Gene: KCNK3 (potassium two pore domain channel subfamily K member 3; plus strand). Cytogenetic location: 2p23.3.
Variant type: single nucleotide variant.
Coding change: c.342G>A on transcript NM_002246.3 (MANE Select); coding-DNA position 342, G replaced by A.
Protein change: p.Ala114=; no amino-acid change (alanine 114 retained).
Molecular consequence: synonymous variant.
Genome position (GRCh38, 1-based): chr2:26,727,725, G>A. VCF-style: chr2-26727725-G-A. GRCh37 (hg19) VCF-style: chr2-26950593-G-A.
Identifiers: ClinVar variation 1902810 (VCV001902810.7), dbSNP rs767471086, ClinGen allele CA1565485.

ClinVar aggregate classification (germline): Likely benign. Review status: criteria provided, single submitter (1 of 4 stars). 2 submissions from 2 submitters: Likely benign (1). 1 of the submissions does not count toward it. Last evaluated 2025-09-19.

Conditions:
KCNK3-related disorder. Also called: KCNK3-related condition.
Pulmonary hypertension, primary, 4. Identifiers: Orphanet 422, MedGen C3809198, MONDO:0014136, OMIM 615344.

Allele frequency attached by ClinVar (database versions not stated): gnomAD exomes below 0.00001; ExAC 0.00001; gnomAD 0.00003; TOPMed 0.00003.
gnomAD v4.1: 10 of 1,562,912 alleles (0.00064%); highest among the groups gnomAD compares: African/African-American, 0.0014%; no homozygotes.

Submissions (2):

Labcorp Genetics (formerly Invitae), Labcorp
Classification: Likely benign for Pulmonary hypertension, primary, 4. Last evaluated: 2025-09-19. Review status: criteria provided, single submitter. Criteria: Invitae Variant Classification Sherloc (09022015). Collection method: clinical testing. Allele origin: germline.

PreventionGenetics, part of Exact Sciences
Classification: Likely benign for KCNK3-related condition. Last evaluated: 2019-06-21. Review status: no assertion criteria provided. Collection method: clinical testing. Allele origin: germline. Not counted in ClinVar's aggregate classification.
Comment: This variant is classified as likely benign based on ACMG/AMP sequence variant interpretation guidelines (Richards et al. 2015 PMID: 25741868, with internal and published modifications).